The following is an entry in ClinVar:

NM_006218.4(PIK3CA):c.2885T>C (p.Ile962Thr)

Gene: PIK3CA (phosphatidylinositol-4,5-bisphosphate 3-kinase catalytic subunit alpha; plus strand). Cytogenetic location: 3q26.32.
Variant type: single nucleotide variant.
Coding change: c.2885T>C on transcript NM_006218.4 (MANE Select); coding-DNA position 2885, T replaced by C.
Protein change: p.Ile962Thr; replaces isoleucine 962 with threonine.
Molecular consequence: missense variant.
Genome position (GRCh38, 1-based): chr3:179,230,325, T>C. VCF-style: chr3-179230325-T-C. GRCh37 (hg19) VCF-style: chr3-178948113-T-C.
Other names: short protein forms I962T.
Identifiers: ClinVar variation 3902939 (VCV003902939.1).

ClinVar aggregate classification (germline): Uncertain significance (1 of 4 stars; one submission).

Submission:

GeneDx
Classification: Uncertain significance. Last evaluated: 2024-12-15. Review status: criteria provided, single submitter. Criteria: GeneDx Variant Classification Process June 2021. Collection method: clinical testing. Allele origin: germline. Affected: yes.
Comment: Not observed at significant frequency in large population cohorts (gnomAD); In silico analysis indicates that this missense variant does not alter protein structure/function; Has not been previously published as pathogenic or benign to our knowledge